The following is an entry in ClinVar:

NM_000051.4(ATM):c.2321G>A (p.Gly774Asp)

Gene: ATM (ATM serine/threonine kinase; plus strand). Cytogenetic location: 11q22.3.
Variant type: single nucleotide variant.
Coding change: c.2321G>A on transcript NM_000051.4 (MANE Select); coding-DNA position 2321, G replaced by A.
Protein change: p.Gly774Asp; replaces glycine 774 with aspartic acid.
Molecular consequence: missense variant.
Genome position (GRCh38, 1-based): chr11:108,257,551, G>A. VCF-style: chr11-108257551-G-A. GRCh37 (hg19) VCF-style: chr11-108128278-G-A.
Other names: c.2321G>A, p.Gly774Asp (NM_001351834.2); short protein forms G774D.
Identifiers: ClinVar variation 482746 (VCV000482746.20), dbSNP rs1555075727, ClinGen allele CA382539969.

ClinVar aggregate classification (germline): Uncertain significance. Review status: criteria provided, multiple submitters, no conflicts (2 of 4 stars). 5 submissions from 5 submitters: Uncertain significance (5). Last evaluated 2025-05-28.

Conditions:
Hereditary cancer-predisposing syndrome. Also called: Hereditary neoplastic syndrome; Neoplastic Syndromes, Hereditary; Tumor predisposition; Hereditary Cancer Syndrome. Identifiers: Orphanet 140162, MedGen C0027672, MeSH D009386, MONDO:0015356.
Ataxia-telangiectasia syndrome (AT). Also called: LOUIS-BAR SYNDROME; Cerebello-oculocutaneous telangiectasia; Immunodeficiency with ataxia telangiectasia; AT, COMPLEMENTATION GROUP C; Ataxia-telangiectasia, complementation group D; ATAXIA-TELANGIECTASIA, COMPLEMENTATION GROUP A. Identifiers: Orphanet 100, MedGen C0004135, MONDO:0008840, OMIM 208900.

gnomAD v4.1: 3 of 1,614,032 alleles (0.00019%); highest among the groups gnomAD compares: Non-Finnish European, 0.00025%; no homozygotes.

Submissions (5):

Labcorp Genetics (formerly Invitae), Labcorp
Classification: Uncertain significance for Ataxia-telangiectasia syndrome. Last evaluated: 2025-05-28. Review status: criteria provided, single submitter. Criteria: Invitae Variant Classification Sherloc (09022015). Collection method: clinical testing. Allele origin: germline.
Comment: This sequence change replaces glycine, which is neutral and non-polar, with aspartic acid, which is acidic and polar, at codon 774 of the ATM protein (p.Gly774Asp). This variant is not present in population databases (gnomAD no frequency). This variant has not been reported in the literature in individuals affected with ATM-related conditions. ClinVar contains an entry for this variant (Variation ID: 482746). Invitae Evidence Modeling of protein sequence and biophysical properties (such as structural, functional, and spatial information, amino acid conservation, physicochemical variation, residue mobility, and thermodynamic stability) indicates that this missense variant is not expected to disrupt ATM protein function with a negative predictive value of 95%. In summary, the available evidence is currently insufficient to determine the role of this variant in disease. Therefore, it has been classified as a Variant of Uncertain Significance.

Quest Diagnostics Nichols Institute San Juan Capistrano
Classification: Uncertain significance. Last evaluated: 2025-04-30. Review status: criteria provided, single submitter. Criteria: Quest Diagnostics criteria. Collection method: clinical testing. Allele origin: unknown.

Ambry Genetics
Classification: Uncertain significance for Hereditary cancer-predisposing syndrome. Last evaluated: 2025-01-13. Review status: criteria provided, single submitter. Criteria: Ambry Variant Classification Scheme 2023. Collection method: clinical testing. Allele origin: germline.
Comment: The p.G774D variant (also known as c.2321G>A), located in coding exon 14 of the ATM gene, results from a G to A substitution at nucleotide position 2321. The glycine at codon 774 is replaced by aspartic acid, an amino acid with similar properties. This amino acid position is poorly conserved in available vertebrate species. In addition, this alteration is predicted to be tolerated by in silico analysis. Since supporting evidence is limited at this time, the clinical significance of this alteration remains unclear.

Color Diagnostics, LLC DBA Color Health
Classification: Uncertain significance for Hereditary cancer-predisposing syndrome. Last evaluated: 2024-03-06. Review status: criteria provided, single submitter. Criteria: ACMG Guidelines, 2015. Collection method: clinical testing. Allele origin: germline.
Comment: This missense variant replaces glycine with aspartic acid at codon 774 of the ATM protein. Computational prediction suggests that this variant may not impact protein structure and function (internally defined REVEL score threshold <= 0.5, PMID: 27666373). To our knowledge, functional studies have not been reported for this variant. This variant has not been reported in individuals affected with hereditary cancer in the literature. This variant has not been identified in the general population by the Genome Aggregation Database (gnomAD). The available evidence is insufficient to determine the role of this variant in disease conclusively. Therefore, this variant is classified as a Variant of Uncertain Significance.

GeneDx
Classification: Uncertain significance. Last evaluated: 2019-11-12. Review status: criteria provided, single submitter. Criteria: GeneDx Variant Classification Process June 2021. Collection method: clinical testing. Allele origin: germline. Affected: yes.
Comment: Not observed in large population cohorts (Lek 2016); In silico analysis, which includes protein predictors and evolutionary conservation, supports that this variant does not alter protein structure/function; Has not been previously published as pathogenic or benign to our knowledge